The following is an entry in ClinVar:

ClinVar aggregate classification (germline): Likely pathogenic (1 of 4 stars; one submission).

Conditions:
Autosomal recessive nonsyndromic hearing loss 84B. Also called: Deafness, autosomal recessive 84b. Identifiers: Orphanet 90636, MedGen C3554159, MONDO:0013984, OMIM 614944.

Submission:

Institute of Rare Diseases, West China Hospital, Sichuan University
Classification: Likely pathogenic for Autosomal recessive nonsyndromic hearing loss 84B. Last evaluated: 2025-01-09. Review status: criteria provided, single submitter. Criteria: ClinGen HL ACMG Specifications v1. Collection method: research. Allele origin: germline. Affected: yes.
Comment: PVS1;PM2_Supporting

NM_001378609.3(OTOGL):c.4896_4897del (p.Ser1633fs)

Gene: OTOGL (otogelin like; plus strand). Cytogenetic location: 12q21.31.
Variant type: Deletion.
Coding change: c.4896_4897del on transcript NM_001378609.3 (MANE Select); coding-DNA positions 4896 to 4897, 2 bases deleted (TT; older notation c.4896_4897delTT).
Protein change: p.Ser1633fs; shifts the reading frame from serine 1633.
Molecular consequence: frameshift variant.
Genome position (GRCh38, 1-based): chr12:80,339,110-80,339,111, TT deleted; deleting any 2 consecutive bases within chr12:80,339,108-80,339,111 gives the same sequence; the c. name uses the placement nearest the transcript's 3' end. VCF-style (leftmost placement, unchanged base first): chr12-80339107-CTT-C. GRCh37 (hg19) VCF-style: chr12-80732887-CTT-C.
Other names: c.4761_4762del, p.Ser1588fs (NM_001368062.3); c.4896_4897del, p.Ser1633fs (NM_001378610.3, NM_173591.7); short protein forms S1588fs, S1633fs.
Identifiers: ClinVar variation 3601566 (VCV003601566.1).